The following is an entry in ClinVar:

NM_016507.4(CDK12):c.4018A>G (p.Asn1340Asp)

Gene: CDK12 (cyclin dependent kinase 12; plus strand). Cytogenetic location: 17q12.
Variant type: single nucleotide variant.
Coding change: c.4018A>G on transcript NM_016507.4 (MANE Select); coding-DNA position 4018, A replaced by G.
Protein change: p.Asn1340Asp; replaces asparagine 1340 with aspartic acid.
Molecular consequence: missense variant.
Genome position (GRCh38, 1-based): chr17:39,530,861, A>G. VCF-style: chr17-39530861-A-G. GRCh37 (hg19) VCF-style: chr17-37687114-A-G.
Other names: c.3991A>G, p.Asn1331Asp (NM_015083.4); short protein forms N1331D, N1340D.
Identifiers: ClinVar variation 4868550 (VCV004868550.1).
Genomic context (GRCh38, chr17:39,530,861, plus strand): 5'-CACCAGGCCTTGAGACCAATGGAGTACTCCACCCGACCCCGTCCAAACAGGACTTATGGA[A>G]ACACTGATGGGCCTGAAACAGGGTTCAGTGCCATTGACACTGATGAACGAAACTCTGGTC-3'
Protein context (NP_057591.2, residues 1330-1350): TRPRPNRTYG[Asn1340Asp]TDGPETGFSA

ClinVar aggregate classification (germline): Uncertain significance (1 of 4 stars; one submission).

Submission:

Ambry Genetics
Classification: Uncertain significance. Last evaluated: 2026-05-19. Review status: criteria provided, single submitter. Criteria: Ambry Variant Classification Scheme 2023. Collection method: clinical testing. Allele origin: germline.
Comment: The p.N1340D variant (also known as c.4018A>G), located in coding exon 14 of the CDK12 gene, results from an A to G substitution at nucleotide position 4018. The asparagine at codon 1340 is replaced by aspartic acid, an amino acid with highly similar properties. This amino acid position is conserved. In addition, this alteration is predicted to be tolerated by in silico analysis. Based on the available evidence, the clinical significance of this variant remains unclear.